The following is an entry in ClinVar:

ClinVar aggregate classification (germline): Uncertain significance. Review status: criteria provided, multiple submitters, no conflicts (2 of 4 stars). 4 submissions from 4 submitters: Uncertain significance (4). Last evaluated 2023-11-28.

Conditions:
Inborn genetic diseases. Identifiers: MedGen C0950123, MeSH D030342.
Connective tissue disorder. Also called: Connective tissue disease. Identifiers: MedGen C0009782, MONDO:0003900.

Allele frequency attached by ClinVar (database versions not stated): gnomAD 0.00001; gnomAD exomes 0.00003 and 0.00012; TOPMed 0.00009; ExAC 0.00012.
gnomAD v4.1: 45 of 1,599,406 alleles (0.0028%); highest among the groups gnomAD compares: East Asian, 0.078%; no homozygotes.

Submissions (4):

Ambry Genetics
Classification: Uncertain significance for Inborn genetic diseases. Last evaluated: 2023-11-28. Review status: criteria provided, single submitter. Criteria: Ambry Variant Classification Scheme 2023. Collection method: clinical testing. Allele origin: germline.

Genome Diagnostics Laboratory, The Hospital for Sick Children
Classification: Uncertain significance for Connective tissue disorder. Last evaluated: 2022-07-04. Review status: criteria provided, single submitter. Criteria: ACMG Guidelines, 2015. Collection method: clinical testing. Allele origin: germline.

GeneDx
Classification: Uncertain significance. Last evaluated: 2021-01-11. Review status: criteria provided, single submitter. Criteria: GeneDx Variant Classification Process June 2021. Collection method: clinical testing. Allele origin: germline. Affected: yes.
Comment: In silico analysis supports that this missense variant does not alter protein structure/function; Has not been previously published as pathogenic or benign to our knowledge

Breakthrough Genomics
Classification: Uncertain significance. Review status: criteria provided, single submitter. Criteria: ACMG Guidelines, 2015. Collection method: not provided. Allele origin: germline. Inheritance: Autosomal recessive inheritance. Affected: yes.

NM_004239.4(TRIP11):c.948A>C (p.Lys316Asn)

Gene: TRIP11 (thyroid hormone receptor interactor 11; minus strand). Cytogenetic location: 14q32.12.
Variant type: single nucleotide variant.
Coding change: c.948A>C on transcript NM_004239.4 (MANE Select); coding-DNA position 948, A replaced by C.
Protein change: p.Lys316Asn; replaces lysine 316 with asparagine.
Molecular consequence: missense variant.
Genome position (GRCh38, 1-based): chr14:92,014,453, T>G on the plus strand (A>C on the coding strand, the complement: TRIP11 is on the minus strand). VCF-style: chr14-92014453-T-G. GRCh37 (hg19) VCF-style: chr14-92480797-T-G.
Other names: c.945A>C, p.Lys315Asn (NM_001321851.1); short protein forms K315N, K316N.
Identifiers: ClinVar variation 1191882 (VCV001191882.7), dbSNP rs766465446, ClinGen allele CA7314052.